The following is an entry in ClinVar:

ClinVar aggregate classification (germline): Pathogenic. Review status: criteria provided, single submitter (1 of 4 stars). 2 submissions from 2 submitters: Pathogenic (1). 1 of the submissions does not count toward it. Last evaluated 2020-12-18.

Conditions:
Autosomal recessive axonal neuropathy with neuromyotonia (NMAN). Also called: Neuromyotonia and axonal neuropathy, autosomal recessive; MYOKYMIA, MYOTONIA, AND MUSCLE WASTING; Gamstorp-Wohlfart syndrome. Identifiers: Orphanet 324442, MedGen C5700127, MONDO:0007646, OMIM 137200.
Inborn genetic diseases. Identifiers: MedGen C0950123, MeSH D030342.

Allele frequency attached by ClinVar (database versions not stated): gnomAD exomes below 0.00001; ExAC 0.00001.
gnomAD v4.1: 1 of 1,613,192 alleles (0.000062%); highest among the groups gnomAD compares: Non-Finnish European, 0.000085%; no homozygotes.

Submissions (2):

Ambry Genetics
Classification: Pathogenic for Inborn genetic diseases. Last evaluated: 2020-12-18. Review status: criteria provided, single submitter. Criteria: Ambry Variant Classification Scheme 2023. Collection method: clinical testing. Allele origin: germline.
Comment: The p.Q62* pathogenic mutation (also known as c.184C>T), located in coding exon 2 of the HINT1 gene, results from a C to T substitution at nucleotide position 184. This changes the amino acid from a glutamine to a stop codon within coding exon 2. This mutation was detected in a compound heterozygous state in siblings presenting with a Charcot-Marie-Tooth disease phenotype (Zimo M et al. Nat Genet, 2012 Oct;44:1080-3). This alteration is expected to result in loss of function by premature protein truncation or nonsense-mediated mRNA decay. As such, this alteration is interpreted as a disease-causing mutation.

OMIM
Classification: Pathogenic for NEUROMYOTONIA AND AXONAL NEUROPATHY, AUTOSOMAL RECESSIVE. Last evaluated: 2012-10-01. Review status: no assertion criteria provided. Collection method: literature only. Allele origin: germline. Not counted in ClinVar's aggregate classification.

Literature cited by the submitters: PubMed 22961002 (cited by Ambry Genetics and OMIM); PubMed 1851512 (cited by OMIM).

NM_005340.7(HINT1):c.184C>T (p.Gln62Ter)

Gene: HINT1 (histidine triad nucleotide binding protein 1; minus strand). Cytogenetic location: 5q23.3.
Variant type: single nucleotide variant.
Coding change: c.184C>T on transcript NM_005340.7 (MANE Select); coding-DNA position 184, C replaced by T.
Protein change: p.Gln62Ter; replaces glutamine 62 with a stop codon.
Molecular consequence: nonsense. On other transcripts: non-coding transcript variant (5).
Genome position (GRCh38, 1-based): chr5:131,162,604, G>A on the plus strand (C>T on the coding strand, the complement: HINT1 is on the minus strand). VCF-style: chr5-131162604-G-A. GRCh37 (hg19) VCF-style: chr5-130498297-G-A.
Other names: short protein forms Q62*.
Identifiers: ClinVar variation 37317 (VCV000037317.3), dbSNP rs397514492, ClinGen allele CA130163.